The following is an entry in ClinVar:

NM_007294.4(BRCA1):c.5419A>G (p.Ile1807Val)

Gene: BRCA1 (BRCA1 DNA repair associated; minus strand). Cytogenetic location: 17q21.31.
Variant type: single nucleotide variant.
Coding change: c.5419A>G on transcript NM_007294.4 (MANE Select); coding-DNA position 5419, A replaced by G.
Protein change: p.Ile1807Val; replaces isoleucine 1807 with valine.
Molecular consequence: missense variant. On other transcripts: non-coding transcript variant (1).
Genome position (GRCh38, 1-based): chr17:43,047,691, T>C on the plus strand (A>G on the coding strand, the complement: BRCA1 is on the minus strand). VCF-style: chr17-43047691-T-C. GRCh37 (hg19) VCF-style: chr17-41199708-T-C.
Other names: c.5272A>G, p.Ile1758Val (NM_001407843.1, NM_001407844.1, NM_001407845.1 and 12 more transcripts); c.5212A>G, p.Ile1738Val (NM_001407875.1, NM_001407874.1); c.5209A>G, p.Ile1737Val (NM_001407879.1, NM_001407881.1, NM_001407882.1 and 5 more transcripts); c.5206A>G, p.Ile1736Val (NM_001407907.1, NM_001407908.1, NM_001407909.1 and 12 more transcripts); c.5203A>G, p.Ile1735Val (NM_001407915.1, NM_001407916.1, NM_001407917.1 and 1 more transcripts); c.5167A>G, p.Ile1723Val (NM_001407919.1); c.5152A>G, p.Ile1718Val (NM_001407930.1, NM_001407931.1, NM_001407932.1 and 4 more transcripts); c.5149A>G, p.Ile1717Val (NM_001407934.1, NM_001407935.1, NM_001407936.1); and 83 more; short protein forms I1807V, I1828V, I1760V, I703V, N678S, N677S, I1638V, I1694V.
Identifiers: ClinVar variation 186137 (VCV000186137.23), dbSNP rs786202721, ClinGen allele CA003583.

ClinVar aggregate classification (germline): Conflicting classifications of pathogenicity. Review status: criteria provided, conflicting classifications (1 of 4 stars). 4 submissions from 4 submitters: Uncertain significance (3); Benign (1). Last evaluated 2026-01-20.

Conditions:
Hereditary breast ovarian cancer syndrome. Also called: Hereditary breast and ovarian cancer syndrome; Hereditary breast and ovarian cancer syndrome (HBOC); BRCA1- and BRCA2-Associated Hereditary Breast and Ovarian Cancer; Breast and ovarian cancer; Hereditary breast and ovarian cancer; Hereditary breast and/or ovarian cancer syndrome. Identifiers: Orphanet 145, MedGen C0677776, MeSH D061325, MONDO:0003582. Disease mechanism: loss of function.
Hereditary cancer-predisposing syndrome. Also called: Hereditary Cancer Syndrome; Hereditary neoplastic syndrome; Tumor predisposition; Neoplastic Syndromes, Hereditary. Identifiers: Orphanet 140162, MedGen C0027672, MeSH D009386, MONDO:0015356.
BRCA1-related cancer predisposition. Identifiers: MedGen CN377757, MONDO:0700268.

Allele frequency attached by ClinVar (database versions not stated): gnomAD exomes below 0.00001; gnomAD 0.00001; TOPMed 0.00001.
gnomAD v4.1: 4 of 1,614,156 alleles (0.00025%); highest among the groups gnomAD compares: African/African-American, 0.0027%; no homozygotes.

Submissions (5):

Labcorp Genetics (formerly Invitae), Labcorp
Classification: Uncertain significance for Hereditary breast ovarian cancer syndrome. Last evaluated: 2026-01-20. Review status: criteria provided, single submitter. Criteria: Invitae Variant Classification Sherloc (09022015). Collection method: clinical testing. Allele origin: germline.
Comment: This sequence change replaces isoleucine, which is neutral and non-polar, with valine, which is neutral and non-polar, at codon 1807 of the BRCA1 protein (p.Ile1807Val). This variant is present in population databases (rs786202721, gnomAD 0.007%). This missense change has been observed in individual(s) with breast cancer (PMID: 31907386). ClinVar contains an entry for this variant (Variation ID: 186137). Invitae Evidence Modeling incorporating data from in vitro experimental studies (PMID: 30209399) indicates that this missense variant is not expected to disrupt BRCA1 function with a negative predictive value of 95%. Experimental studies have shown that this missense change does not substantially affect BRCA1 function (PMID: 30209399, 30257991). RNA analysis performed to evaluate the impact of this missense change on mRNA splicing indicates it does not significantly alter splicing (internal data). In summary, the available evidence is currently insufficient to determine the role of this variant in disease. Therefore, it has been classified as a Variant of Uncertain Significance.

All of Us Research Program, National Institutes of Health
Classification: Uncertain significance for BRCA1-related cancer predisposition. Last evaluated: 2024-09-23. Review status: criteria provided, single submitter. Criteria: ACMG Guidelines, 2015. Collection method: clinical testing. Allele origin: germline. Inheritance: Autosomal dominant inheritance. Observed: 2 variant alleles, 2 heterozygotes.
Comment: This missense variant replaces isoleucine with valine at codon 1807 of the BRCA1 protein. Computational prediction suggests that this variant may not impact protein structure and function (internally defined REVEL score threshold <= 0.5, PMID: 27666373). Functional studies have reported that this variant does not impact BRCA1 function in a haploid cell proliferation assay, phosphopeptide binding, localization after mitomycin C treatment and in a homology-mediated DNA repair assay (PMID: 30209399, 30257991). This variant has been reported in an individual affected with breast cancer (PMID: 35177575) and in a breast cancer case-control meta-analysis in 1/60466 cases and 0/53461 unaffected individuals (PMID: 33471991; Leiden Open Variation Database DB-ID BRCA1_001749). This variant has been identified in 1/251496 chromosomes in the general population by the Genome Aggregation Database (gnomAD). The available evidence is insufficient to determine the role of this variant in disease conclusively. Therefore, this variant is classified as a Variant of Uncertain Significance.

This study involves interpretation of variants in research participants for the purpose of population health screening. Participant phenotype was not available at the time of variant classification. Additional details can be found in publication PMID: 35346344, PMCID: PMC8962531

Color Diagnostics, LLC DBA Color Health
Classification: Uncertain significance for Hereditary cancer-predisposing syndrome. Last evaluated: 2023-06-21. Review status: criteria provided, single submitter. Criteria: ACMG Guidelines, 2015. Collection method: clinical testing. Allele origin: germline.
Comment: This missense variant replaces isoleucine with valine at codon 1807 of the BRCA1 protein. Computational prediction suggests that this variant may not impact protein structure and function (internally defined REVEL score threshold <= 0.5, PMID: 27666373). Functional studies have reported that this variant does not impact BRCA1 function in a haploid cell proliferation assay, phosphopeptide binding, localization after mitomycin C treatment and in a homology-mediated DNA repair assay (PMID: 30209399, 30257991). This variant has been reported in an individual affected with breast cancer (PMID: 35177575) and in a breast cancer case-control meta-analysis in 1/60466 cases and 0/53461 unaffected individuals (PMID: 33471991; Leiden Open Variation Database DB-ID BRCA1_001749). This variant has been identified in 1/251496 chromosomes in the general population by the Genome Aggregation Database (gnomAD). The available evidence is insufficient to determine the role of this variant in disease conclusively. Therefore, this variant is classified as a Variant of Uncertain Significance.

Ambry Genetics
Classification: Benign for Hereditary cancer-predisposing syndrome. Last evaluated: 2021-05-28. Review status: criteria provided, single submitter. Criteria: Ambry Variant Classification Scheme 2023. Collection method: clinical testing. Allele origin: germline.

Brotman Baty Institute, University of Washington
No classification provided (evidence only). Condition: Breast-ovarian cancer, familial 1. Review status: no classification provided. Collection method: in vitro. Allele origin: not applicable. Functional consequence: functionally_normal. Not counted in ClinVar's aggregate classification.
ClinVar note: "not provided" was previously submitted as the classification for the variant. However, the classification appeared to be based only on an observation of functional data so it was converted to no classification on 2025-07-30.

Literature cited by the submitters: PubMed 31907386 (cited by Labcorp Genetics (formerly Invitae), Labcorp); PubMed 30209399 (cited by 4 submitters); PubMed 30257991 (cited by 3 submitters); PubMed 33471991 (cited by All of Us Research Program, National Institutes of Health and Color Diagnostics, LLC DBA Color Health); PubMed 35177575 (cited by All of Us Research Program, National Institutes of Health and Color Diagnostics, LLC DBA Color Health).